The following is an entry in ClinVar:

NM_000256.3(MYBPC3):c.1058_1063dup (p.Gly354_Met355insLysGly)

Gene: MYBPC3 (myosin binding protein C3; minus strand). Cytogenetic location: 11p11.2.
Variant type: Duplication.
Coding change: c.1058_1063dup on transcript NM_000256.3 (MANE Select); coding-DNA positions 1058 to 1063, 6 bases duplicated (AGGGCA; older notation c.1058_1063dupAGGGCA).
Protein change: p.Gly354_Met355insLysGly.
Molecular consequence: inframe insertion.
Genome position (GRCh38, 1-based): chr11:47,346,234-47,346,239, TGCCCT duplicated on the plus strand (AGGGCA on the coding strand, the reverse complement: MYBPC3 is on the minus strand); duplicating any 6 consecutive bases within chr11:47,346,234-47,346,241 gives the same sequence; the c. name uses the placement nearest the transcript's 3' end. VCF-style (leftmost placement, unchanged base first): chr11-47346233-A-ATGCCCT. GRCh37 (hg19) VCF-style: chr11-47367784-A-ATGCCCT.
Identifiers: ClinVar variation 4820500 (VCV004820500.1).

ClinVar aggregate classification (germline): Uncertain significance (1 of 4 stars; one submission).

Conditions:
Cardiovascular phenotype. Identifiers: MedGen CN230736.

Submission:

Molecular Diagnostic Laboratory for Inherited Cardiovascular Disease, Montreal Heart Institute
Classification: Uncertain significance for Cardiovascular phenotype. Last evaluated: 2026-03-27. Review status: criteria provided, single submitter. Criteria: ACMG Guidelines, 2015. Collection method: clinical testing. Allele origin: germline. Affected: yes.
Comment: PM2, PM4_supp